The following is an entry in ClinVar:

ClinVar aggregate classification (germline): Benign/Likely benign. Review status: criteria provided, multiple submitters, no conflicts (2 of 4 stars). 9 submissions from 9 submitters: Benign (2); Likely benign (7). Last evaluated 2026-09-01.

Conditions:
Hereditary cancer-predisposing syndrome. Also called: Hereditary neoplastic syndrome; Tumor predisposition; Neoplastic Syndromes, Hereditary; Hereditary Cancer Syndrome. Identifiers: Orphanet 140162, MedGen C0027672, MeSH D009386, MONDO:0015356.
Oligodontia-cancer predisposition syndrome. Also called: TOOTH AGENESIS-COLORECTAL CANCER SYNDROME. Identifiers: Orphanet 300576, MedGen C1837750, MONDO:0012075, OMIM 608615. Disease mechanism: loss of function.

Allele frequency attached by ClinVar (database versions not stated): gnomAD exomes 0.00005 and 0.00006; ExAC 0.00008; gnomAD 0.00008 and 0.00009; TOPMed 0.00008.
gnomAD v4.1: 98 of 1,600,390 alleles (0.0061%); highest among the groups gnomAD compares: Non-Finnish European, 0.0083%; no homozygotes.

Submissions (9):

CeGaT Center for Human Genetics Tuebingen
Classification: Likely benign. Last evaluated: 2026-09-01. Review status: criteria provided, single submitter. Criteria: CeGaT Center For Human Genetics Tuebingen Variant Classification Criteria Version 2. Collection method: clinical testing. Allele origin: germline. Affected: yes. Observed: 1 variant allele.
Comment: AXIN2: BP4, BP7

Labcorp Genetics (formerly Invitae), Labcorp
Classification: Likely benign for Oligodontia-cancer predisposition syndrome. Last evaluated: 2026-01-18. Review status: criteria provided, single submitter. Criteria: Invitae Variant Classification Sherloc (09022015). Collection method: clinical testing. Allele origin: germline.

Center for Genomic Medicine, Rigshospitalet, Copenhagen University Hospital
Classification: Likely benign. Last evaluated: 2025-12-29. Review status: criteria provided, single submitter. Criteria: ACMG Guidelines, 2015. Collection method: clinical testing. Allele origin: germline.

Laboratory of Genetics, Children's Clinical University Hospital Latvia
Classification: Likely benign. Last evaluated: 2025-02-16. Review status: criteria provided, single submitter. Criteria: ACMG Guidelines, 2015. Collection method: clinical testing. Allele origin: germline. Affected: yes.

Blueprint Genetics
Classification: Likely benign. Last evaluated: 2024-09-18. Review status: criteria provided, single submitter. Criteria: ACMG Guidelines, 2015. Collection method: clinical testing. Allele origin: germline.

Myriad Genetics, Inc.
Classification: Benign for Oligodontia-cancer predisposition syndrome. Last evaluated: 2024-06-27. Review status: criteria provided, single submitter. Criteria: Myriad Autosomal Dominant, Autosomal Recessive and X-Linked Classification Criteria (2023). Collection method: clinical testing. Allele origin: unknown.
Comment: This variant is considered benign. This variant is a silent/synonymous amino acid change and it is not expected to impact splicing.

Sema4
Classification: Likely benign for Hereditary cancer-predisposing syndrome. Last evaluated: 2021-11-15. Review status: criteria provided, single submitter. Criteria: Sema4 Curation Guidelines. Collection method: curation. Allele origin: germline.

Ambry Genetics
Classification: Likely benign for Hereditary cancer-predisposing syndrome. Last evaluated: 2018-11-06. Review status: criteria provided, single submitter. Criteria: Ambry Variant Classification Scheme 2023. Collection method: clinical testing. Allele origin: germline.

GeneDx
Classification: Benign. Last evaluated: 2014-09-24. Review status: criteria provided, single submitter. Criteria: GeneDx Variant Classification (06012015). Collection method: clinical testing. Allele origin: germline. Affected: yes.
Comment: This variant is considered likely benign or benign based on one or more of the following criteria: it is a conservative change, it occurs at a poorly conserved position in the protein, it is predicted to be benign by multiple in silico algorithms, and/or has population frequency not consistent with disease.

NM_004655.4(AXIN2):c.828G>A (p.Arg276=)

Gene: AXIN2 (axin 2; minus strand). Cytogenetic location: 17q24.1.
Variant type: single nucleotide variant.
Coding change: c.828G>A on transcript NM_004655.4 (MANE Select); coding-DNA position 828, G replaced by A.
Protein change: p.Arg276=; no amino-acid change (arginine 276 retained).
Molecular consequence: synonymous variant.
Genome position (GRCh38, 1-based): chr17:65,549,648, C>T on the plus strand (G>A on the coding strand, the complement: AXIN2 is on the minus strand). VCF-style: chr17-65549648-C-T. GRCh37 (hg19) VCF-style: chr17-63545766-C-T.
Other names: p.R276R:AGG>AGA; c.828G>A (LRG_296t1); c.828G>A, p.Arg276= (NM_001363813.1).
Identifiers: ClinVar variation 182021 (VCV000182021.22), dbSNP rs730881404, ClinGen allele CA298422.
Genomic context (GRCh38, chr17:65,549,648, plus strand): 5'-GCTGGTGGCTGGTGCAAAGACATAGCCAGAACCTATGTGATAAGGATTAACAGGATCGCT[C>T]CTCTTGAAGGACCTATGGGCAAAGTACAAAAGTGGTTCAGTCACTGACCCTCACCAGAAA-3'
Protein context (NP_004646.3, residues 266-286): TVDSGYRSFK[Arg276=]SDPVNPYHIG